The following is an entry in ClinVar:

NM_002693.3(POLG):c.2935G>C (p.Ala979Pro)

Gene: POLG (DNA polymerase gamma, catalytic subunit; minus strand). Cytogenetic location: 15q26.1.
Variant type: single nucleotide variant.
Coding change: c.2935G>C on transcript NM_002693.3 (MANE Select); coding-DNA position 2935, G replaced by C.
Protein change: p.Ala979Pro; replaces alanine 979 with proline.
Molecular consequence: missense variant.
Genome position (GRCh38, 1-based): chr15:89,320,812, C>G on the plus strand (G>C on the coding strand, the complement: POLG is on the minus strand). VCF-style: chr15-89320812-C-G. GRCh37 (hg19) VCF-style: chr15-89864043-C-G.
Other names: c.2935G>C, p.Ala979Pro (NM_001126131.2); short protein forms A979P.
Identifiers: ClinVar variation 1994288 (VCV001994288.4), dbSNP rs748248482, ClinGen allele CA393752259.

ClinVar aggregate classification (germline): Uncertain significance (1 of 4 stars; one submission).

Conditions:
Progressive sclerosing poliodystrophy (MTDPS4A). Also called: Mitochondrial DNA Depletion Syndrome 4A; ALPERS PROGRESSIVE INFANTILE POLIODYSTROPHY; NEURONAL DEGENERATION OF CHILDHOOD WITH LIVER DISEASE, PROGRESSIVE; Mitochondrial DNA depletion syndrome 4A (Alpers type); Alpers Syndrome; ALPERS DIFFUSE DEGENERATION OF CEREBRAL GRAY MATTER WITH HEPATIC CIRRHOSIS. Identifiers: Orphanet 726, MedGen C0205710, MONDO:0008758, OMIM 203700.

Submission:

Labcorp Genetics (formerly Invitae), Labcorp
Classification: Uncertain significance for Progressive sclerosing poliodystrophy. Last evaluated: 2022-11-08. Review status: criteria provided, single submitter. Criteria: Invitae Variant Classification Sherloc (09022015). Collection method: clinical testing. Allele origin: germline.
Comment: In summary, the available evidence is currently insufficient to determine the role of this variant in disease. Therefore, it has been classified as a Variant of Uncertain Significance. Advanced modeling of protein sequence and biophysical properties (such as structural, functional, and spatial information, amino acid conservation, physicochemical variation, residue mobility, and thermodynamic stability) has been performed at Invitae for this missense variant, however the output from this modeling did not meet the statistical confidence thresholds required to predict the impact of this variant on POLG protein function. This variant has not been reported in the literature in individuals affected with POLG-related conditions. This variant is not present in population databases (gnomAD no frequency). This sequence change replaces alanine, which is neutral and non-polar, with proline, which is neutral and non-polar, at codon 979 of the POLG protein (p.Ala979Pro).